The following is an entry in ClinVar:

ClinVar aggregate classification (germline): Uncertain significance. Review status: criteria provided, multiple submitters, no conflicts (2 of 4 stars). 2 submissions from 2 submitters: Uncertain significance (2). Last evaluated 2025-08-12.

Conditions:
Inborn genetic diseases. Identifiers: MedGen C0950123, MeSH D030342.

Allele frequency attached by ClinVar (database versions not stated): gnomAD exomes below 0.00001; gnomAD 0.00003; TOPMed 0.00006.

Submissions (2):

Ambry Genetics
Classification: Uncertain significance for Inborn genetic diseases. Last evaluated: 2025-08-12. Review status: criteria provided, single submitter. Criteria: Ambry Variant Classification Scheme 2023. Collection method: clinical testing. Allele origin: germline.

Labcorp Genetics (formerly Invitae), Labcorp
Classification: Uncertain significance. Last evaluated: 2023-09-17. Review status: criteria provided, single submitter. Criteria: Invitae Variant Classification Sherloc (09022015). Collection method: clinical testing. Allele origin: germline.
Comment: This sequence change replaces serine, which is neutral and polar, with leucine, which is neutral and non-polar, at codon 169 of the BHLHA9 protein (p.Ser169Leu). This variant is not present in population databases (gnomAD no frequency). This variant has not been reported in the literature in individuals affected with BHLHA9-related conditions. ClinVar contains an entry for this variant (Variation ID: 2183680). Algorithms developed to predict the effect of missense changes on protein structure and function output the following: SIFT: "Not Available"; PolyPhen-2: "Benign"; Align-GVGD: "Not Available". The leucine amino acid residue is found in multiple mammalian species, which suggests that this missense change does not adversely affect protein function. In summary, the available evidence is currently insufficient to determine the role of this variant in disease. Therefore, it has been classified as a Variant of Uncertain Significance.

NM_001164405.2(BHLHA9):c.506C>T (p.Ser169Leu)

Gene: BHLHA9 (basic helix-loop-helix family member a9; plus strand). Cytogenetic location: 17p13.3.
Variant type: single nucleotide variant.
Coding change: c.506C>T on transcript NM_001164405.2 (MANE Select); coding-DNA position 506, C replaced by T.
Protein change: p.Ser169Leu; replaces serine 169 with leucine.
Molecular consequence: missense variant.
Genome position (GRCh38, 1-based): chr17:1,271,069, C>T. VCF-style: chr17-1271069-C-T. GRCh37 (hg19) VCF-style: chr17-1174363-C-T.
Other names: c.506C>T (NM_001164405.1); short protein forms S169L.
Identifiers: ClinVar variation 2183680 (VCV002183680.5), dbSNP rs1024135600, ClinGen allele CA286779122.